The following is an entry in ClinVar:

NM_001004051.4(GPRASP2):c.1295G>A (p.Gly432Glu)

Genes: ARMCX5-GPRASP2 (ARMCX5-GPRASP2 readthrough; plus strand), GPRASP2 (G protein-coupled receptor associated sorting protein 2; plus strand). Cytogenetic location: Xq22.1.
Variant type: single nucleotide variant.
Coding change: c.1295G>A on transcript NM_001004051.4 (MANE Select); coding-DNA position 1295, G replaced by A.
Protein change: p.Gly432Glu; replaces glycine 432 with glutamic acid.
Molecular consequence: missense variant. On other transcripts: intron variant (3).
Genome position (GRCh38, 1-based): chrX:102,716,164, G>A. VCF-style: chrX-102716164-G-A. GRCh37 (hg19) VCF-style: chrX-101971092-G-A.
Other names: c.1295G>A, p.Gly432Glu (NM_001199818.1, NM_001184874.3, NM_001184875.3 and 2 more transcripts); c.-820+1898G>A (NM_001350268.2); c.-752+1898G>A (NM_001350269.2); c.-721+1898G>A (NM_001350270.1); short protein forms G432E.
Identifiers: ClinVar variation 1030276 (VCV001030276.1), dbSNP rs1190810703, ClinGen allele CA414068684.
Genomic context (GRCh38, chrX:102,716,164, plus strand): 5'-GAACTGAGGAGGGGGCCATTGGCGGATCCGCGTACTGGGCTGAGGAAAAGTCCAGTTTGG[G>A]GGCTGTGGCCAGAGAAGAGGCCAAGCCGGAGTCTGAAGAAGAGGCCATATTTGGGTCCTG-3'
Protein context (NP_001004051.1, residues 422-442): AYWAEEKSSL[Gly432Glu]AVAREEAKPE

ClinVar aggregate classification (germline): Uncertain significance (1 of 4 stars; one submission).

Conditions:
X-linked external auditory canal atresia-dilated internal auditory canal-facial dysmorphism syndrome. Also called: DEAFNESS, X-LINKED 7. Identifiers: Orphanet 500188, MedGen C4746975, MONDO:0044702, OMIM 301018.

Submission:

Baylor Genetics
Classification: Uncertain significance for X-linked external auditory canal atresia-dilated internal auditory canal-facial dysmorphism syndrome. Last evaluated: 2019-12-11. Review status: criteria provided, single submitter. Criteria: ACMG Guidelines, 2015. Collection method: clinical testing. Allele origin: unknown. Affected: yes.
Comment: This variant was determined to be of uncertain significance according to ACMG Guidelines, 2015 [PMID:25741868].